The following is an entry in ClinVar:

NM_016239.4(MYO15A):c.2012G>A (p.Ser671Asn)

Gene: MYO15A (myosin XVA; plus strand). Cytogenetic location: 17p11.2.
Variant type: single nucleotide variant.
Coding change: c.2012G>A on transcript NM_016239.4 (MANE Select); coding-DNA position 2012, G replaced by A.
Protein change: p.Ser671Asn; replaces serine 671 with asparagine.
Molecular consequence: missense variant.
Genome position (GRCh38, 1-based): chr17:18,120,812, G>A. VCF-style: chr17-18120812-G-A. GRCh37 (hg19) VCF-style: chr17-18024126-G-A.
Other names: short protein forms S671N.
Identifiers: ClinVar variation 1254708 (VCV001254708.18), dbSNP rs962124239, ClinGen allele CA288388135.

ClinVar aggregate classification (germline): Conflicting classifications of pathogenicity. Review status: criteria provided, conflicting classifications (1 of 4 stars). 5 submissions from 5 submitters: Uncertain significance (4); Likely benign (1). Last evaluated 2026-05-01.

Conditions:
Inborn genetic diseases. Identifiers: MedGen C0950123, MeSH D030342.

Allele frequency attached by ClinVar (database versions not stated): gnomAD exomes 0.00001; gnomAD 0.00006 and 0.00007; TOPMed 0.00009.

Submissions (5):

CeGaT Center for Human Genetics Tuebingen
Classification: Uncertain significance. Last evaluated: 2026-05-01. Review status: criteria provided, single submitter. Criteria: CeGaT Center For Human Genetics Tuebingen Variant Classification Criteria Version 2. Collection method: clinical testing. Allele origin: germline. Affected: yes. Observed: 2 variant alleles.
Comment: MYO15A: PM2

Labcorp Genetics (formerly Invitae), Labcorp
Classification: Likely benign. Last evaluated: 2026-01-26. Review status: criteria provided, single submitter. Criteria: Invitae Variant Classification Sherloc (09022015). Collection method: clinical testing. Allele origin: germline.

Ambry Genetics
Classification: Uncertain significance for Inborn genetic diseases. Last evaluated: 2025-10-22. Review status: criteria provided, single submitter. Criteria: Ambry Variant Classification Scheme 2023. Collection method: clinical testing. Allele origin: germline.

GeneDx
Classification: Uncertain significance. Last evaluated: 2025-08-14. Review status: criteria provided, single submitter. Criteria: GeneDx Variant Classification Process June 2021. Collection method: clinical testing. Allele origin: germline. Affected: yes.
Comment: Observed in a patient with congenital hearing loss in published literature; this patient also harbored multiple GJB2 variants that likely explain the phenotype (PMID: 34515852); Not observed at significant frequency in large population cohorts (gnomAD); In silico analysis suggests that this missense variant does not alter protein structure/function; This variant is associated with the following publications: (PMID: 34515852)

Blueprint Genetics
Classification: Uncertain significance. Last evaluated: 2024-11-01. Review status: criteria provided, single submitter. Criteria: ACMG Guidelines, 2015. Collection method: clinical testing. Allele origin: germline.